The following is an entry in ClinVar:

ClinVar aggregate classification (germline): Uncertain significance. Review status: criteria provided, multiple submitters, no conflicts (2 of 4 stars). 2 submissions from 2 submitters: Uncertain significance (2). Last evaluated 2022-10-24.

Conditions:
Autosomal recessive polycystic kidney disease (ARPKD). Also called: AR polycystic kidney disease. Identifiers: Orphanet 731, Orphanet 8378, MedGen C0085548, MeSH D017044, MONDO:0009889.

Submissions (2):

Labcorp Genetics (formerly Invitae), Labcorp
Classification: Uncertain significance for Autosomal recessive polycystic kidney disease. Last evaluated: 2022-10-24. Review status: criteria provided, single submitter. Criteria: Invitae Variant Classification Sherloc (09022015). Collection method: clinical testing. Allele origin: germline.
Comment: In summary, the available evidence is currently insufficient to determine the role of this variant in disease. Therefore, it has been classified as a Variant of Uncertain Significance. Variants that disrupt the consensus splice site are a relatively common cause of aberrant splicing (PMID: 17576681, 9536098). Algorithms developed to predict the effect of sequence changes on RNA splicing suggest that this variant may disrupt the consensus splice site. ClinVar contains an entry for this variant (Variation ID: 501527). This variant has not been reported in the literature in individuals affected with PKHD1-related conditions. This variant is not present in population databases (gnomAD no frequency). This sequence change falls in intron 46 of the PKHD1 gene. It does not directly change the encoded amino acid sequence of the PKHD1 protein. It affects a nucleotide within the consensus splice site.

Eurofins Ntd Llc (ga)
Classification: Uncertain significance. Last evaluated: 2017-04-18. Review status: criteria provided, single submitter. Criteria: EGL Classification Definitions 2015. Collection method: clinical testing. Allele origin: germline. Observed: 1 variant allele, 1 heterozygote.

Literature cited by the submitters: PubMed 17576681 (cited by Labcorp Genetics (formerly Invitae), Labcorp); PubMed 9536098 (cited by Labcorp Genetics (formerly Invitae), Labcorp).

NM_138694.4(PKHD1):c.7350+5G>A

Gene: PKHD1 (PKHD1 ciliary IPT domain containing fibrocystin/polyductin; minus strand). Cytogenetic location: 6p12.2.
Variant type: single nucleotide variant.
Coding change: c.7350+5G>A on transcript NM_138694.4 (MANE Select); 5 bases into the intron after coding-DNA position 7350, G replaced by A.
Molecular consequence: intron variant.
Genome position (GRCh38, 1-based): chr6:51,883,088, C>T on the plus strand (G>A on the coding strand, the complement: PKHD1 is on the minus strand). VCF-style: chr6-51883088-C-T. GRCh37 (hg19) VCF-style: chr6-51747886-C-T.
Other names: c.7350+5G>A (NM_170724.3).
Identifiers: ClinVar variation 501527 (VCV000501527.7), dbSNP rs1554287798, ClinGen allele CA658796773.